The following is an entry in ClinVar:

ClinVar aggregate classification (germline): Pathogenic. Review status: criteria provided, single submitter (1 of 4 stars). 2 submissions from 1 submitter: Pathogenic (2). Last evaluated 2018-10-23.

Conditions:
Ocular cystinosis. Also called: Non-Nephropathic Cystinosis; Non-Nephropathic (Ocular) Cystinosis. Identifiers: Orphanet 213, Orphanet 411641, MedGen C2931013, MONDO:0009064, OMIM 219750.
Juvenile nephropathic cystinosis. Also called: Intermediate Cystinosis; CYSTINOSIS, LATE-ONSET JUVENILE OR ADOLESCENT NEPHROPATHIC TYPE; Later-Onset (Juvenile) Cystinosis. Identifiers: Orphanet 213, Orphanet 411634, MedGen C0268626, MONDO:0009066, OMIM 219900.
Nephropathic cystinosis (CTNS). Also called: CYSTINOSIN, DEFECT OF; LYSOSOMAL CYSTINE TRANSPORT PROTEIN, DEFECT OF; Abderhalden Lignac Kaufmann disease; Abderhalden-Kaufmann-Lignac syndrome. Identifiers: Orphanet 213, Orphanet 411629, MedGen C2931187, MONDO:0100151, OMIM 219800.
Inborn genetic diseases. Identifiers: MedGen C0950123, MeSH D030342.

Submissions (2):

Labcorp Genetics (formerly Invitae), Labcorp
Classification: Pathogenic for Nephropathic cystinosis; Ocular cystinosis; Juvenile nephropathic cystinosis. Last evaluated: 2018-10-23. Review status: criteria provided, single submitter. Criteria: Invitae Variant Classification Sherloc (09022015). Collection method: clinical testing. Allele origin: germline.
Comment: This variant is an out-of-frame deletion of the genomic region encompassing exons 4 to 5 of the CTNS gene. This is expected to create a premature translational stop signal and result in an absent or disrupted protein product. This variant has not been reported in the literature in individuals with CTNS-related disease. Loss-of-function variants in CTNS are known to be pathogenic (PMID: 9537412, 27102039). For these reasons, this variant has been classified as Pathogenic.

Labcorp Genetics (formerly Invitae), Labcorp
Classification: Pathogenic for Nephropathic cystinosis; Ocular cystinosis; Juvenile nephropathic cystinosis. Last evaluated: 2018-10-14. Review status: criteria provided, single submitter. Criteria: Invitae Variant Classification Sherloc (09022015). Collection method: clinical testing. Allele origin: germline.
Comment: the same text as in the submission from Labcorp Genetics (formerly Invitae), Labcorp above.

Literature cited by the submitters: PubMed 9537412; PubMed 27102039.

NC_000017.11:g.(?_3647424)_(3648951_?)del

Gene: CTNS (cystinosin, lysosomal cystine transporter; plus strand). Cytogenetic location: 17p13.2.
Variant type: Deletion.
Identifiers: ClinVar variation 665648 (VCV000665648.2).